The following is an entry in ClinVar:

ClinVar aggregate classification (germline): Uncertain significance. Review status: criteria provided, multiple submitters, no conflicts (2 of 4 stars). 2 submissions from 2 submitters: Uncertain significance (2). Last evaluated 2024-04-12.

Conditions:
Retinal dystrophy. Also called: Inherited retinal dystrophy. Identifiers: Orphanet 71862, MedGen C0854723, MeSH D058499, MONDO:0019118, HP:0000556.

Allele frequency attached by ClinVar (database versions not stated): gnomAD exomes 0.00001.
gnomAD v4.1: 4 of 1,613,838 alleles (0.00025%); highest among the groups gnomAD compares: East Asian, 0.0089%; no homozygotes.

Submissions (2):

Labcorp Genetics (formerly Invitae), Labcorp
Classification: Uncertain significance. Last evaluated: 2024-04-12. Review status: criteria provided, single submitter. Criteria: Invitae Variant Classification Sherloc (09022015). Collection method: clinical testing. Allele origin: germline.
Comment: This sequence change replaces methionine, which is neutral and non-polar, with isoleucine, which is neutral and non-polar, at codon 523 of the PDE6B protein (p.Met523Ile). This variant is not present in population databases (gnomAD no frequency). This variant has not been reported in the literature in individuals affected with PDE6B-related conditions. Advanced modeling of protein sequence and biophysical properties (such as structural, functional, and spatial information, amino acid conservation, physicochemical variation, residue mobility, and thermodynamic stability) performed at Invitae indicates that this missense variant is not expected to disrupt PDE6B protein function with a negative predictive value of 95%. In summary, the available evidence is currently insufficient to determine the role of this variant in disease. Therefore, it has been classified as a Variant of Uncertain Significance.

Dept Of Ophthalmology, Nagoya University
Classification: Uncertain significance for Retinal dystrophy. Last evaluated: 2023-10-01. Review status: criteria provided, single submitter. Criteria: Submitter's publication. Collection method: research. Allele origin: germline. Affected: yes.

NM_000283.4(PDE6B):c.1569G>T (p.Met523Ile)

Gene: PDE6B (phosphodiesterase 6B; plus strand). Cytogenetic location: 4p16.3.
Variant type: single nucleotide variant.
Coding change: c.1569G>T on transcript NM_000283.4 (MANE Select); coding-DNA position 1569, G replaced by T.
Protein change: p.Met523Ile; replaces methionine 523 with isoleucine.
Molecular consequence: missense variant.
Genome position (GRCh38, 1-based): chr4:660,568, G>T. VCF-style: chr4-660568-G-T. GRCh37 (hg19) VCF-style: chr4-654357-G-T.
Other names: c.1569G>T, p.Met523Ile (NM_001145291.2); c.732G>T, p.Met244Ile (NM_001145292.2, NM_001350154.3, NM_001379246.1 and 1 more transcripts); c.414G>T, p.Met138Ile (NM_001350155.3); short protein forms M138I, M523I, M244I.
Identifiers: ClinVar variation 2996571 (VCV002996571.4), dbSNP rs1204692489, ClinGen allele CA355916267.
Genomic context (GRCh38, chr4:660,568, plus strand): 5'-ATTCCACTTCTCTGACCTGGAGTGCACCGAACTGGACCTGGTCAAATGTGGCATCCAGAT[G>T]TACTACGAGCTGGGCGTGGTCCGAAAGTTCCAGATCCCCCAGGAGGTGGGAGACACCGCA-3'
Protein context (NP_000274.3, residues 513-533): ELDLVKCGIQ[Met523Ile]YYELGVVRKF